The following is an entry in ClinVar:

ClinVar aggregate classification (germline): Likely benign. Review status: criteria provided, multiple submitters, no conflicts (2 of 4 stars). 2 submissions from 2 submitters: Likely benign (2). Last evaluated 2026-02-06.

Submissions (2):

Women's Health and Genetics/Laboratory Corporation of America, LabCorp
Classification: Likely benign. Last evaluated: 2026-02-06. Review status: criteria provided, single submitter. Criteria: LabCorp Variant Classification Summary - May 2015. Collection method: clinical testing. Allele origin: germline.
Comment: Variant summary: DOCK8 c.3234+20_3234+21insT inserts a nucleotide located at a position not widely known to affect splicing. Consensus agreement among computation tools predict no significant impact on normal splicing. However, these predictions have yet to be confirmed by functional studies. The frequency data for this variant in gnomAD is considered unreliable, as metrics indicate poor data quality at this position. To our knowledge, no occurrence of c.3234+20_3234+21insT in individuals affected with DOCK8-related conditions and no experimental evidence demonstrating its impact on protein function have been reported. No submitters have cited clinical-significance assessments for this variant to ClinVar. Based on the evidence outlined above, the variant was classified as likely benign.

Blueprint Genetics
Classification: Likely benign. Last evaluated: 2022-07-11. Review status: criteria provided, single submitter. Criteria: ACMG Guidelines, 2015. Collection method: clinical testing. Allele origin: germline.

NM_203447.4(DOCK8):c.3234+20_3234+21insT

Gene: DOCK8 (dedicator of cytokinesis 8; plus strand). Cytogenetic location: 9p24.3.
Variant type: Insertion.
Coding change: c.3234+20_3234+21insT on transcript NM_203447.4 (MANE Select); bases 20 to 21 of the intron after coding-DNA position 3234, T inserted.
Molecular consequence: intron variant.
Genome position: GRCh38 VCF-style: chr9-399279-C-CT. GRCh37 (hg19) VCF-style: chr9-399279-C-CT.
Other names: c.3030+20_3030+21insT (NM_001193536.2); c.2934+20_2934+21insT (NM_001190458.2).
Identifiers: ClinVar variation 4848003 (VCV004848003.2).